The following is an entry in ClinVar:

NM_002432.3(MNDA):c.166T>C (p.Phe56Leu)

Gene: MNDA (myeloid cell nuclear differentiation antigen; plus strand). Cytogenetic location: 1q23.1.
Variant type: single nucleotide variant.
Coding change: c.166T>C on transcript NM_002432.3 (MANE Select); coding-DNA position 166, T replaced by C.
Protein change: p.Phe56Leu; replaces phenylalanine 56 with leucine.
Molecular consequence: missense variant.
Genome position (GRCh38, 1-based): chr1:158,842,319, T>C. VCF-style: chr1-158842319-T-C. GRCh37 (hg19) VCF-style: chr1-158812109-T-C.
Other names: short protein forms F56L.
Identifiers: ClinVar variation 2621594 (VCV002621594.2), dbSNP rs2526075215, ClinGen allele CA343036949.

ClinVar aggregate classification (germline): Uncertain significance (1 of 4 stars; one submission).

Submission:

Ambry Genetics
Classification: Uncertain significance. Last evaluated: 2023-09-04. Review status: criteria provided, single submitter. Criteria: Ambry Variant Classification Scheme 2023. Collection method: clinical testing. Allele origin: germline.
Comment: The p.F56L variant (also known as c.166T>C), located in coding exon 1 of the MNDA gene, results from a T to C substitution at nucleotide position 166. The phenylalanine at codon 56 is replaced by leucine, an amino acid with highly similar properties. This amino acid position is conserved. In addition, this alteration is predicted to be tolerated by in silico analysis. Since supporting evidence is limited at this time, the clinical significance of this alteration remains unclear.